The following is an entry in ClinVar:

ClinVar aggregate classification (germline): Uncertain significance. Review status: criteria provided, multiple submitters, no conflicts (2 of 4 stars). 2 submissions from 2 submitters: Uncertain significance (2). Last evaluated 2025-02-03.

Conditions:
POLD1-related polyposis and colorectal cancer syndrome (CRCS10). Also called: Colorectal cancer 10; COLORECTAL CANCER, SUSCEPTIBILITY TO, ON CHROMOSOME 19q; Colorectal cancer, susceptibility to, 10. Identifiers: Orphanet 220460, MedGen C2675481, MONDO:0012953, OMIM 612591.
Hereditary cancer-predisposing syndrome. Also called: Tumor predisposition; Hereditary Cancer Syndrome; Hereditary neoplastic syndrome; Neoplastic Syndromes, Hereditary. Identifiers: Orphanet 140162, MedGen C0027672, MeSH D009386, MONDO:0015356.

Allele frequency attached by ClinVar (database versions not stated): gnomAD exomes below 0.00001.
gnomAD v4.1: 2 of 1,601,652 alleles (0.00012%); highest among the groups gnomAD compares: Non-Finnish European, 0.00017%; no homozygotes.

Submissions (2):

Ambry Genetics
Classification: Uncertain significance for Hereditary cancer-predisposing syndrome. Last evaluated: 2025-02-03. Review status: criteria provided, single submitter. Criteria: Ambry Variant Classification Scheme 2023. Collection method: clinical testing. Allele origin: germline.
Comment: The p.E793D variant (also known as c.2379G>T), located in coding exon 18 of the POLD1 gene, results from a G to T substitution at nucleotide position 2379. The glutamic acid at codon 793 is replaced by aspartic acid, an amino acid with highly similar properties. This amino acid position is conserved. In addition, the in silico prediction for this alteration is inconclusive. Based on the available evidence, the clinical significance of this variant remains unclear.

Labcorp Genetics (formerly Invitae), Labcorp
Classification: Uncertain significance for POLD1-related polyposis and colorectal cancer syndrome. Last evaluated: 2022-12-26. Review status: criteria provided, single submitter. Criteria: Invitae Variant Classification Sherloc (09022015). Collection method: clinical testing. Allele origin: germline.
Comment: In summary, the available evidence is currently insufficient to determine the role of this variant in disease. Therefore, it has been classified as a Variant of Uncertain Significance. ClinVar contains an entry for this variant (Variation ID: 858279). This variant has not been reported in the literature in individuals affected with POLD1-related conditions. This variant is not present in population databases (gnomAD no frequency). This sequence change replaces glutamic acid, which is acidic and polar, with aspartic acid, which is acidic and polar, at codon 793 of the POLD1 protein (p.Glu793Asp). Advanced modeling of protein sequence and biophysical properties (such as structural, functional, and spatial information, amino acid conservation, physicochemical variation, residue mobility, and thermodynamic stability) performed at Invitae indicates that this missense variant is not expected to disrupt POLD1 protein function.

NM_002691.4(POLD1):c.2379G>T (p.Glu793Asp)

Gene: POLD1 (DNA polymerase delta 1, catalytic subunit; plus strand). Cytogenetic location: 19q13.33.
Variant type: single nucleotide variant.
Coding change: c.2379G>T on transcript NM_002691.4 (MANE Select); coding-DNA position 2379, G replaced by T.
Protein change: p.Glu793Asp; replaces glutamic acid 793 with aspartic acid.
Molecular consequence: missense variant. On other transcripts: non-coding transcript variant (1).
Genome position (GRCh38, 1-based): chr19:50,413,870, G>T. VCF-style: chr19-50413870-G-T. GRCh37 (hg19) VCF-style: chr19-50917127-G-T.
Other names: c.2379G>T, p.Glu793Asp (NM_001256849.1); c.2457G>T, p.Glu819Asp (NM_001308632.1); short protein forms E793D, E819D.
Identifiers: ClinVar variation 858279 (VCV000858279.11), dbSNP rs2039181854, ClinGen allele CA406984395.